The following is an entry in ClinVar:

NM_002637.4(PHKA1):c.1401G>A (p.Glu467=)

Gene: PHKA1 (phosphorylase kinase regulatory subunit alpha 1; minus strand). Cytogenetic location: Xq13.1.
Variant type: single nucleotide variant.
Coding change: c.1401G>A on transcript NM_002637.4 (MANE Select); coding-DNA position 1401, G replaced by A.
Protein change: p.Glu467=; no amino-acid change (glutamic acid 467 retained).
Molecular consequence: synonymous variant.
Genome position (GRCh38, 1-based): chrX:72,644,420, C>T on the plus strand (G>A on the coding strand, the complement: PHKA1 is on the minus strand). VCF-style: chrX-72644420-C-T. GRCh37 (hg19) VCF-style: chrX-71864270-C-T.
Other names: c.1401G>A, p.Glu467= (NM_001122670.2, NM_001172436.2).
Identifiers: ClinVar variation 729488 (VCV000729488.10), dbSNP rs782491320, ClinGen allele CA10450872.

ClinVar aggregate classification (germline): Benign. Review status: criteria provided, single submitter (1 of 4 stars). 2 submissions from 2 submitters: Benign (1). 1 of the submissions does not count toward it. Last evaluated 2026-01-24.

Conditions:
PHKA1-related disorder. Also called: PHKA1-related condition.
Glycogen storage disease IXd (GSD9D). Also called: GSD IXd; Muscle Phosphorylase Kinase Deficiency. Identifiers: Orphanet 715, MedGen C1845151, MONDO:0010362, OMIM 300559.

Allele frequency attached by ClinVar (database versions not stated): gnomAD below 0.00001 and 0.00015; TOPMed 0.00003; gnomAD exomes 0.00026 and 0.00061; ExAC 0.00079; 1000 Genomes Project 0.00159; 1000 Genomes Project 30x 0.00166.
gnomAD v4.1: 307 of 1,205,517 alleles (0.025%); highest among the groups gnomAD compares: South Asian, 0.5%; 2 homozygotes.

Submissions (2):

Labcorp Genetics (formerly Invitae), Labcorp
Classification: Benign for Glycogen storage disease IXd. Last evaluated: 2026-01-24. Review status: criteria provided, single submitter. Criteria: Invitae Variant Classification Sherloc (09022015). Collection method: clinical testing. Allele origin: germline.

PreventionGenetics, part of Exact Sciences
Classification: Benign for PHKA1-related condition. Last evaluated: 2023-09-22. Review status: no assertion criteria provided. Collection method: clinical testing. Allele origin: germline. Not counted in ClinVar's aggregate classification.
Comment: This variant is classified as benign based on ACMG/AMP sequence variant interpretation guidelines (Richards et al. 2015 PMID: 25741868, with internal and published modifications).